The following is an entry in ClinVar:

ClinVar aggregate classification (germline): Uncertain significance (1 of 4 stars; one submission).

Submission:

GeneDx
Classification: Uncertain significance. Last evaluated: 2026-07-01. Review status: criteria provided, single submitter. Criteria: GeneDx Variant Classification Process June 2021. Collection method: clinical testing. Allele origin: germline.
Comment: Not observed at significant frequency in large population cohorts (gnomAD); Frameshift variant predicted to result in abnormal protein length as the last 152 amino acids are replaced with 56 different amino acids; Has not been previously published as pathogenic or benign to our knowledge

NM_001080421.3(UNC13A):c.4650_4651dup (p.Val1551fs)

Gene: UNC13A (unc-13 homolog A; minus strand). Cytogenetic location: 19p13.11.
Variant type: Duplication.
Coding change: c.4650_4651dup on transcript NM_001080421.3 (MANE Select); coding-DNA positions 4650 to 4651, 2 bases duplicated (AG; older notation c.4650_4651dupAG).
Protein change: p.Val1551fs; shifts the reading frame from valine 1551.
Molecular consequence: frameshift variant.
Genome position (GRCh38, 1-based): chr19:17,611,763-17,611,764, CT duplicated on the plus strand (AG on the coding strand, the reverse complement: UNC13A is on the minus strand). VCF-style (leftmost placement, unchanged base first): chr19-17611762-C-CCT. GRCh37 (hg19) VCF-style: chr19-17722571-C-CCT.
Other names: c.4638_4639dup, p.Val1547fs (NM_001387021.1); c.4635_4636dup, p.Val1546fs (NM_001387022.1); c.4569_4570dup, p.Val1524fs (NM_001387023.1); short protein forms V1524fs, V1546fs, V1547fs, V1551fs.
Identifiers: ClinVar variation 4070670 (VCV004070670.2).